The following is an entry in ClinVar:

NM_018668.5(VPS33B):c.239A>G (p.Gln80Arg)

Gene: VPS33B (VPS33B late endosome and lysosome associated; minus strand). Cytogenetic location: 15q26.1.
Variant type: single nucleotide variant.
Coding change: c.239A>G on transcript NM_018668.5 (MANE Select); coding-DNA position 239, A replaced by G.
Protein change: p.Gln80Arg; replaces glutamine 80 with arginine.
Molecular consequence: missense variant. On other transcripts: intron variant (1).
Genome position (GRCh38, 1-based): chr15:91,016,963, T>C on the plus strand (A>G on the coding strand, the complement: VPS33B is on the minus strand). VCF-style: chr15-91016963-T-C. GRCh37 (hg19) VCF-style: chr15-91560193-T-C.
Other names: c.158A>G, p.Gln53Arg (NM_001289148.1); c.-35+842A>G (NM_001289149.1); short protein forms Q53R, Q80R.
Identifiers: ClinVar variation 2682586 (VCV002682586.1), dbSNP rs2544264859, ClinGen allele CA393861089.

ClinVar aggregate classification (germline): Uncertain significance (1 of 4 stars; one submission).

Submission:

Women's Health and Genetics/Laboratory Corporation of America, LabCorp
Classification: Uncertain significance. Last evaluated: 2023-11-16. Review status: criteria provided, single submitter. Criteria: LabCorp Variant Classification Summary - May 2015. Collection method: clinical testing. Allele origin: germline.
Comment: Variant summary: VPS33B c.239A>G (p.Gln80Arg) is located near a canonical splice site and results in a conservative amino acid change in the encoded protein sequence. Four of five in-silico tools predict a benign effect of the variant on protein function. Consensus agreement among computation tools predict no significant impact on normal splicing. However, these predictions have yet to be confirmed by functional studies. The variant was absent in 251486 control chromosomes (gnomAD). The available data on variant occurrences in the general population are insufficient to allow any conclusion about variant significance. To our knowledge, no occurrence of c.239A>G in individuals affected with VPS33B-Related Disorders and no experimental evidence demonstrating its impact on protein function have been reported. No submitters have cited clinical-significance assessments for this variant to ClinVar after 2014. Based on the evidence outlined above, the variant was classified as uncertain significance.